The following is an entry in ClinVar:

ClinVar aggregate classification (germline): Uncertain significance (1 of 4 stars; one submission).

Conditions:
Autosomal recessive spinocerebellar ataxia 12. Also called: SPINOCEREBELLAR ATAXIA WITH MENTAL RETARDATION AND EPILEPSY. Identifiers: Orphanet 284282, MedGen C3280452, MONDO:0013687, OMIM 614322.
Developmental and epileptic encephalopathy, 1 (DEE1). Also called: INFANTILE SPASM SYNDROME, X-LINKED 1; X-linked infantile spasms; West's syndrome; Tonic spasms with clustering, arrest of psychomotor development and hypsarrhythmia on EEG; X-Linked Infantile Spasm Syndrome; OHTAHARA SYNDROME, X-LINKED. Identifiers: MedGen C3463992, MONDO:0010632, OMIM 308350. Disease mechanism: loss of function.

Submission:

Labcorp Genetics (formerly Invitae), Labcorp
Classification: Uncertain significance for Developmental and epileptic encephalopathy, 1; Autosomal recessive spinocerebellar ataxia 12. Last evaluated: 2022-06-13. Review status: criteria provided, single submitter. Criteria: Invitae Variant Classification Sherloc (09022015). Collection method: clinical testing. Allele origin: germline.
Comment: In summary, the available evidence is currently insufficient to determine the role of this variant in disease. Therefore, it has been classified as a Variant of Uncertain Significance. Algorithms developed to predict the effect of missense changes on protein structure and function are either unavailable or do not agree on the potential impact of this missense change (SIFT: "Not Available"; PolyPhen-2: "Benign"; Align-GVGD: "Not Available"). This variant has not been reported in the literature in individuals affected with WWOX-related conditions. This variant is not present in population databases (gnomAD no frequency). This sequence change replaces threonine, which is neutral and polar, with isoleucine, which is neutral and non-polar, at codon 123 of the WWOX protein (p.Thr123Ile).

NM_016373.4(WWOX):c.368C>T (p.Thr123Ile)

Gene: WWOX (WW domain containing oxidoreductase; plus strand). Cytogenetic location: 16q23.1.
Variant type: single nucleotide variant.
Coding change: c.368C>T on transcript NM_016373.4 (MANE Select); coding-DNA position 368, C replaced by T.
Protein change: p.Thr123Ile; replaces threonine 123 with isoleucine.
Molecular consequence: missense variant. On other transcripts: non-coding transcript variant (1).
Genome position (GRCh38, 1-based): chr16:78,115,113, C>T. VCF-style: chr16-78115113-C-T. GRCh37 (hg19) VCF-style: chr16-78149010-C-T.
Other names: c.29C>T, p.Thr10Ile (NM_001291997.2); c.368C>T, p.Thr123Ile (NM_130791.5); short protein forms T10I, T123I.
Identifiers: ClinVar variation 1389954 (VCV001389954.8), dbSNP rs2151674876, ClinGen allele CA396842561.
Genomic context (GRCh38, chr16:78,115,113, plus strand): 5'-CCCGGCAAAGATACGACGGCAGCACCACTGCCATGGAAATTCTCCAGGGCCGGGATTTCA[C>T]TGGCAAAGTGGTTGTGGTCACTGGAGCTAATTCAGGAATAGGTAGGCTCTTCACTTAGTT-3'
Protein context (NP_057457.1, residues 113-133): AMEILQGRDF[Thr123Ile]GKVVVVTGAN